The following is an entry in ClinVar:

ClinVar aggregate classification (germline): Likely pathogenic. Review status: criteria provided, multiple submitters, no conflicts (2 of 4 stars). 2 submissions from 2 submitters: Likely pathogenic (2). Last evaluated 2026-03-05.

Conditions:
Telangiectasia, hereditary hemorrhagic, type 2 (HHT2). Also called: ACVRL1-Related Hereditary Hemorrhagic Telangiectasia; Telangiectasia, hereditary hemorrhagic, type II. Identifiers: Orphanet 774, MedGen C1838163, MONDO:0010880, OMIM 600376. Disease mechanism: loss of function.
Cardiovascular phenotype. Identifiers: MedGen CN230736.

Submissions (2):

Broad Center for Mendelian Genomics, Broad Institute of MIT and Harvard
Classification: Likely pathogenic for Telangiectasia, hereditary hemorrhagic, type 2. Last evaluated: 2026-03-05. Review status: criteria provided, single submitter. Criteria: ACMG Guidelines, 2015. Collection method: research. Allele origin: germline. Inheritance: Autosomal dominant inheritance. Study: GREGoR Consortium.
Comment: The c.1378-78T>G variant in ACVRL1 has been reported in 1 individual with hereditary hemorrhagic telangiectasia (HHT; Wooderchak-Donahue 2018 PMID: 30244195). This variant was also identified through WGS analysis in an adult with HHT by the Broad Institute Rare Genomes Project. It was absent from large population studies. This variant is located in intron 9 and is distant from the splice consensus region. However, computational prediction tools and conservation analyses suggest that this variant may impact splicing. Furthermore, RNA analysis performed on a blood sample from a patient carrying this variant shows evidence of intron 9 retention (Broad Institute Rare Genomes Project), which is predicted to lead to frameshift and a truncated or absent protein. In summary, although additional studies are required to fully establish its clinical significance, this variant meets criteria to be classified as likely pathogenic for autosomal dominant hereditary hemorrhagic telangiectasia (HHT). ACMG/AMP Criteria applied: PS3_Moderate, PP3, PP4, PM2_Supporting, PS4_Supporting.

Ambry Genetics
Classification: Likely pathogenic for Cardiovascular phenotype. Last evaluated: 2023-03-23. Review status: criteria provided, single submitter. Criteria: Ambry Variant Classification Scheme 2023. Collection method: clinical testing. Allele origin: germline.
Comment: The c.1378-78T>G intronic variant results from a T to G substitution 78 nucleotides upstream from coding exon 9 in the ACVRL1 gene. This alteration has been detected in multiple individuals with a clinical diagnosis of hereditary hemorrhagic telangiectasia (HHT) (Wooderchak-Donahue WL et al. J Med Genet, 2018 Dec;55:824-830; Ambry internal data). RNA studies at another laboratory have demonstrated that this alteration results in abnormal splicing in the set of samples tested (personal communication). This nucleotide position is not well conserved in available vertebrate species. In silico splice site analysis predicts that this alteration may result in the creation or strengthening of a novel splice acceptor site. This variant is considered to be rare based on population cohorts in the Genome Aggregation Database (gnomAD). Based on the majority of available evidence to date, this variant is likely to be pathogenic.

Literature cited by the submitters: PubMed 30244195 (cited by Ambry Genetics).

NM_000020.3(ACVRL1):c.1378-78T>G

Gene: ACVRL1 (activin A receptor like type 1; plus strand). Cytogenetic location: 12q13.13.
Variant type: single nucleotide variant.
Coding change: c.1378-78T>G on transcript NM_000020.3 (MANE Select); 78 bases into the intron before coding-DNA position 1378, T replaced by G.
Molecular consequence: intron variant.
Genome position (GRCh38, 1-based): chr12:51,920,681, T>G. VCF-style: chr12-51920681-T-G. GRCh37 (hg19) VCF-style: chr12-52314465-T-G.
Other names: NM_001077401.2:c.1378-78T>G; c.1378-78T>G (NM_001406487.1, NM_001077401.2); c.1066-78T>G (NM_001406491.1, NM_001406492.1); c.1222-78T>G (NM_001406490.1); c.868-78T>G (NM_001406494.1); c.814-78T>G (NM_001406495.1).
Identifiers: ClinVar variation 2562381 (VCV002562381.3), dbSNP rs1168929877, ClinGen allele CA2573334548.